The following is an entry in ClinVar:

ClinVar aggregate classification (germline): Uncertain significance (1 of 4 stars; one submission).

Submission:

Labcorp Genetics (formerly Invitae), Labcorp
Classification: Uncertain significance. Last evaluated: 2021-04-26. Review status: criteria provided, single submitter. Criteria: Invitae Variant Classification Sherloc (09022015). Collection method: clinical testing. Allele origin: germline.
Comment: In summary, the available evidence is currently insufficient to determine the role of this variant in disease. Therefore, it has been classified as a Variant of Uncertain Significance. Algorithms developed to predict the effect of missense changes on protein structure and function are either unavailable or do not agree on the potential impact of this missense change (SIFT: "Deleterious"; PolyPhen-2: "Probably Damaging"; Align-GVGD: "Class C0"). This variant has not been reported in the literature in individuals with CTNNA1-related conditions. This variant is not present in population databases (ExAC no frequency). This sequence change replaces tyrosine with asparagine at codon 351 of the CTNNA1 protein (p.Tyr351Asn). The tyrosine residue is highly conserved and there is a large physicochemical difference between tyrosine and asparagine.

NM_001903.5(CTNNA1):c.1051T>A (p.Tyr351Asn)

Gene: CTNNA1 (catenin alpha 1; plus strand). Cytogenetic location: 5q31.2.
Variant type: single nucleotide variant.
Coding change: c.1051T>A on transcript NM_001903.5 (MANE Select); coding-DNA position 1051, T replaced by A.
Protein change: p.Tyr351Asn; replaces tyrosine 351 with asparagine.
Molecular consequence: missense variant.
Genome position (GRCh38, 1-based): chr5:138,827,707, T>A. VCF-style: chr5-138827707-T-A. GRCh37 (hg19) VCF-style: chr5-138163396-T-A.
Other names: c.1051T>A, p.Tyr351Asn (NM_001290307.3, NM_001323982.2, NM_001323983.1 and 3 more transcripts); c.742T>A, p.Tyr248Asn (NM_001290309.3); c.682T>A, p.Tyr228Asn (NM_001290310.3); short protein forms Y248N, Y228N, Y351N.
Identifiers: ClinVar variation 1435163 (VCV001435163.8), dbSNP rs2149786090, ClinGen allele CA361131305.